The following is an entry in ClinVar:

NM_001389.5(DSCAM):c.5460C>T (p.His1820=)

Gene: DSCAM (DS cell adhesion molecule; minus strand). Cytogenetic location: 21q22.2.
Variant type: single nucleotide variant.
Coding change: c.5460C>T on transcript NM_001389.5 (MANE Select); coding-DNA position 5460, C replaced by T.
Protein change: p.His1820=; no amino-acid change (histidine 1820 retained).
Molecular consequence: synonymous variant. On other transcripts: non-coding transcript variant (1).
Genome position (GRCh38, 1-based): chr21:40,042,597, G>A on the plus strand (C>T on the coding strand, the complement: DSCAM is on the minus strand). VCF-style: chr21-40042597-G-A. GRCh37 (hg19) VCF-style: chr21-41414524-G-A.
Other names: c.5460C>T, p.His1820= (NM_001271534.3).
Identifiers: ClinVar variation 726823 (VCV000726823.10), dbSNP rs114741050, ClinGen allele CA10030306.

ClinVar aggregate classification (germline): Benign/Likely benign. Review status: criteria provided, multiple submitters, no conflicts (2 of 4 stars). 3 submissions from 3 submitters: Benign (1); Likely benign (1). 1 of the submissions does not count toward it. Last evaluated 2025-12-01.

Conditions:
DSCAM-related disorder. Also called: DSCAM-related condition.

Allele frequency attached by ClinVar (database versions not stated): gnomAD exomes 0.00046 and 0.00101; ExAC 0.00119; 1000 Genomes Project 30x 0.00187; 1000 Genomes Project 0.00220; gnomAD 0.00342 and 0.00367; ESP Exome Variant Server 0.00383; TOPMed 0.00391.
gnomAD v4.1: 1,207 of 1,614,102 alleles (0.075%); highest among the groups gnomAD compares: African/African-American, 1.2%; 7 homozygotes.

Submissions (3):

CeGaT Center for Human Genetics Tuebingen
Classification: Likely benign. Last evaluated: 2025-12-01. Review status: criteria provided, single submitter. Criteria: CeGaT Center For Human Genetics Tuebingen Variant Classification Criteria Version 2. Collection method: clinical testing. Allele origin: germline. Affected: yes. Observed: 1 variant allele.
Comment: DSCAM: BP4, BP7, BS1

Labcorp Genetics (formerly Invitae), Labcorp
Classification: Benign. Last evaluated: 2018-06-13. Review status: criteria provided, single submitter. Criteria: Invitae Variant Classification Sherloc (09022015). Collection method: clinical testing. Allele origin: germline.

PreventionGenetics, part of Exact Sciences
Classification: Benign for DSCAM-related condition. Last evaluated: 2023-12-27. Review status: no assertion criteria provided. Collection method: clinical testing. Allele origin: germline. Not counted in ClinVar's aggregate classification.
Comment: This variant is classified as benign based on ACMG/AMP sequence variant interpretation guidelines (Richards et al. 2015 PMID: 25741868, with internal and published modifications).